The following is an entry in ClinVar:

NM_198253.3(TERT):c.49C>T (p.His17Tyr)

Genes: TERT (telomerase reverse transcriptase; minus strand), LOC110806263 (TERT 5' regulatory region; plus strand). Cytogenetic location: 5p15.33.
Variant type: single nucleotide variant.
Coding change: c.49C>T on transcript NM_198253.3 (MANE Select); coding-DNA position 49, C replaced by T.
Protein change: p.His17Tyr; replaces histidine 17 with tyrosine.
Molecular consequence: missense variant. On other transcripts: non-coding transcript variant (2).
Genome position (GRCh38, 1-based): chr5:1,294,941, G>A on the plus strand (C>T on the coding strand, the complement: TERT is on the minus strand). VCF-style: chr5-1294941-G-A. GRCh37 (hg19) VCF-style: chr5-1295056-G-A.
Other names: c.49C>T, p.His17Tyr (NM_001193376.3, NM_003219.1); short protein forms H17Y.
Identifiers: ClinVar variation 2141435 (VCV002141435.5), dbSNP rs1348895488, ClinGen allele CA359059749.

ClinVar aggregate classification (germline): Uncertain significance. Review status: criteria provided, multiple submitters, no conflicts (2 of 4 stars). 2 submissions from 2 submitters: Uncertain significance (2). Last evaluated 2025-08-19.

Conditions:
Idiopathic Pulmonary Fibrosis. Also called: Idiopathic fibrosing alveolitis, chronic form; idiopathic fibrosing alveolitis. Identifiers: Orphanet 2032, MedGen C1800706, MeSH D054990, MONDO:0800504.
Dyskeratosis congenita, autosomal dominant 2. Identifiers: MedGen C3151443, MONDO:0013521, OMIM 613989.
Dyskeratosis congenita. Identifiers: Orphanet 1775, MedGen C0265965, MONDO:0015780.

Allele frequency attached by ClinVar (database versions not stated): gnomAD exomes below 0.00001; TOPMed below 0.00001; gnomAD 0.00001.
gnomAD v4.1: 4 of 1,413,002 alleles (0.00028%); highest among the groups gnomAD compares: African/African-American, 0.0015%; no homozygotes.

Submissions (2):

Ambry Genetics
Classification: Uncertain significance for Dyskeratosis congenita. Last evaluated: 2025-08-19. Review status: criteria provided, single submitter. Criteria: Ambry Variant Classification Scheme 2023. Collection method: clinical testing. Allele origin: germline.
Comment: The p.H17Y variant (also known as c.49C>T), located in coding exon 1 of the TERT gene, results from a C to T substitution at nucleotide position 49. The histidine at codon 17 is replaced by tyrosine, an amino acid with similar properties. This amino acid position is poorly conserved in available vertebrate species. In addition, this alteration is predicted to be tolerated by in silico analysis. Based on the available evidence, the clinical significance of this variant remains unclear.

Labcorp Genetics (formerly Invitae), Labcorp
Classification: Uncertain significance for Dyskeratosis congenita, autosomal dominant 2; Idiopathic Pulmonary Fibrosis. Last evaluated: 2022-01-17. Review status: criteria provided, single submitter. Criteria: Invitae Variant Classification Sherloc (09022015). Collection method: clinical testing. Allele origin: germline.
Comment: This sequence change replaces histidine, which is basic and polar, with tyrosine, which is neutral and polar, at codon 17 of the TERT protein (p.His17Tyr). The frequency data for this variant in the population databases is considered unreliable, as metrics indicate poor data quality at this position in the gnomAD database. This variant has not been reported in the literature in individuals affected with TERT-related conditions. Advanced modeling of protein sequence and biophysical properties (such as structural, functional, and spatial information, amino acid conservation, physicochemical variation, residue mobility, and thermodynamic stability) performed at Invitae indicates that this missense variant is not expected to disrupt TERT protein function. In summary, the available evidence is currently insufficient to determine the role of this variant in disease. Therefore, it has been classified as a Variant of Uncertain Significance.